The following is an entry in ClinVar:

NM_024496.4(IRF2BPL):c.342_371del (p.Gln118_Gln127del)

Gene: IRF2BPL (interferon regulatory factor 2 binding protein like; minus strand). Cytogenetic location: 14q24.3.
Variant type: Deletion.
Coding change: c.342_371del on transcript NM_024496.4 (MANE Select); coding-DNA positions 342 to 371, 30 bases deleted (ACAGCAGCAGCAGCAGCAGCAGCAGCAGCA).
Protein change: p.Gln118_Gln127del.
Molecular consequence: inframe deletion.
Genome position (GRCh38, 1-based): chr14:77,027,422-77,027,451, TGCTGCTGCTGCTGCTGCTGCTGCTGCTGT deleted on the plus strand (ACAGCAGCAGCAGCAGCAGCAGCAGCAGCA on the coding strand, the reverse complement: IRF2BPL is on the minus strand); deleting any 30 consecutive bases within chr14:77,027,422-77,027,471 gives the same sequence; the c. name uses the placement nearest the transcript's 3' end. VCF-style (leftmost placement, unchanged base first): chr14-77027421-CTGCTGCTGCTGCTGCTGCTGCTGCTGCTGT-C. GRCh37 (hg19) VCF-style: chr14-77493764-CTGCTGCTGCTGCTGCTGCTGCTGCTGCTGT-C.
Identifiers: ClinVar variation 3239124 (VCV003239124.20), dbSNP rs775463765.

ClinVar aggregate classification (germline): Likely benign. Review status: criteria provided, multiple submitters, no conflicts (2 of 4 stars). 2 submissions from 2 submitters: Likely benign (2). Last evaluated 2024-11-25.

Submissions (2):

Blueprint Genetics
Classification: Likely benign. Last evaluated: 2024-11-25. Review status: criteria provided, single submitter. Criteria: ACMG Guidelines, 2015. Collection method: clinical testing. Allele origin: germline.

CeGaT Center for Human Genetics Tuebingen
Classification: Likely benign. Last evaluated: 2024-05-01. Review status: criteria provided, single submitter. Criteria: CeGaT Center For Human Genetics Tuebingen Variant Classification Criteria Version 2. Collection method: clinical testing. Allele origin: germline. Affected: yes. Observed: 1 variant allele.
Comment: IRF2BPL: BS1